The following is an entry in ClinVar:

ClinVar aggregate classification (germline): Pathogenic (1 of 4 stars; one submission).

Conditions:
Spastic paraplegia. Identifiers: MedGen C0037772, HP:0001258.

Submission:

Labcorp Genetics (formerly Invitae), Labcorp
Classification: Pathogenic for Spastic paraplegia. Last evaluated: 2021-05-18. Review status: criteria provided, single submitter. Criteria: Invitae Variant Classification Sherloc (09022015). Collection method: clinical testing. Allele origin: germline.
Comment: This variant is not present in population databases (ExAC no frequency). This sequence change creates a premature translational stop signal (p.Trp1374*) in the ZFYVE26 gene. It is expected to result in an absent or disrupted protein product. Loss-of-function variants in ZFYVE26 are known to be pathogenic (PMID: 18394578, 19805727). For these reasons, this variant has been classified as Pathogenic. Algorithms developed to predict the effect of sequence changes on RNA splicing suggest that this variant may create or strengthen a splice site, but this prediction has not been confirmed by published transcriptional studies. This variant has not been reported in the literature in individuals with ZFYVE26-related conditions.

Literature cited by the submitters: PubMed 18394578; PubMed 19805727.

NM_015346.4(ZFYVE26):c.4121G>A (p.Trp1374Ter)

Gene: ZFYVE26 (zinc finger FYVE-type containing 26; minus strand). Cytogenetic location: 14q24.1.
Variant type: single nucleotide variant.
Coding change: c.4121G>A on transcript NM_015346.4 (MANE Select); coding-DNA position 4121, G replaced by A.
Protein change: p.Trp1374Ter; replaces tryptophan 1374 with a stop codon.
Molecular consequence: nonsense.
Genome position (GRCh38, 1-based): chr14:67,783,031, C>T on the plus strand (G>A on the coding strand, the complement: ZFYVE26 is on the minus strand). VCF-style: chr14-67783031-C-T. GRCh37 (hg19) VCF-style: chr14-68249748-C-T.
Other names: short protein forms W1374*.
Identifiers: ClinVar variation 1441055 (VCV001441055.6), dbSNP rs2140222986, ClinGen allele CA390170804.